The following is an entry in ClinVar:

NM_006206.6(PDGFRA):c.3197C>T (p.Thr1066Ile)

Gene: PDGFRA (platelet derived growth factor receptor alpha; plus strand). Cytogenetic location: 4q12.
Variant type: single nucleotide variant.
Coding change: c.3197C>T on transcript NM_006206.6 (MANE Select); coding-DNA position 3197, C replaced by T.
Protein change: p.Thr1066Ile; replaces threonine 1066 with isoleucine.
Molecular consequence: missense variant.
Genome position (GRCh38, 1-based): chr4:54,295,199, C>T. VCF-style: chr4-54295199-C-T. GRCh37 (hg19) VCF-style: chr4-55161366-C-T.
Other names: c.3272C>T, p.Thr1091Ile (NM_001347828.2); c.3197C>T, p.Thr1066Ile (NM_001347829.2); c.3236C>T, p.Thr1079Ile (NM_001347830.2); short protein forms T1066I, T1091I, T1079I.
Identifiers: ClinVar variation 407373 (VCV000407373.11), dbSNP rs775944809, ClinGen allele CA2923056.

ClinVar aggregate classification (germline): Uncertain significance. Review status: criteria provided, multiple submitters, no conflicts (2 of 4 stars). 3 submissions from 3 submitters: Uncertain significance (3). Last evaluated 2025-08-12.

Conditions:
Gastrointestinal stromal tumor. Also called: Gastrointestinal stromal tumor, somatic; Gastrointestinal stroma tumor. Identifiers: Orphanet 44890, MedGen C0238198, MeSH D046152, MONDO:0011719, OMIM 606764, HP:0100723.
Idiopathic hypereosinophilic syndrome (HES). Identifiers: Orphanet 3260, MedGen C0206141, MONDO:0011895, OMIM 607685. Disease mechanism: gain of function.
Polyps, multiple and recurrent inflammatory fibroid, gastrointestinal. Identifiers: MedGen C5193005, MONDO:0008285, OMIM 175510.
Hereditary cancer-predisposing syndrome. Also called: Neoplastic Syndromes, Hereditary; Hereditary Cancer Syndrome; Hereditary neoplastic syndrome; Tumor predisposition. Identifiers: Orphanet 140162, MedGen C0027672, MeSH D009386, MONDO:0015356.

Allele frequency attached by ClinVar (database versions not stated): gnomAD exomes below 0.00001; ExAC 0.00001; TOPMed 0.00001.
gnomAD v4.1: 2 of 1,613,454 alleles (0.00012%); highest among the groups gnomAD compares: East Asian, 0.0045%; no homozygotes.

Submissions (3):

Labcorp Genetics (formerly Invitae), Labcorp
Classification: Uncertain significance for Gastrointestinal stromal tumor. Last evaluated: 2025-08-12. Review status: criteria provided, single submitter. Criteria: Invitae Variant Classification Sherloc (09022015). Collection method: clinical testing. Allele origin: germline.
Comment: This sequence change replaces threonine, which is neutral and polar, with isoleucine, which is neutral and non-polar, at codon 1066 of the PDGFRA protein (p.Thr1066Ile). This variant is present in population databases (rs775944809, gnomAD 0.006%). This variant has not been reported in the literature in individuals affected with PDGFRA-related conditions. ClinVar contains an entry for this variant (Variation ID: 407373). An algorithm developed to predict the effect of missense changes on protein structure and function (PolyPhen-2) suggests that this variant is likely to be disruptive. In summary, the available evidence is currently insufficient to determine the role of this variant in disease. Therefore, it has been classified as a Variant of Uncertain Significance.

Ambry Genetics
Classification: Uncertain significance for Hereditary cancer-predisposing syndrome. Last evaluated: 2024-12-12. Review status: criteria provided, single submitter. Criteria: Ambry Variant Classification Scheme 2023. Collection method: clinical testing. Allele origin: germline.
Comment: The p.T1066I variant (also known as c.3197C>T), located in coding exon 22 of the PDGFRA gene, results from a C to T substitution at nucleotide position 3197. The threonine at codon 1066 is replaced by isoleucine, an amino acid with similar properties. This amino acid position is highly conserved in available vertebrate species. In addition, the in silico prediction for this alteration is inconclusive. Based on the available evidence, the clinical significance of this variant remains unclear.

Fulgent Genetics
Classification: Uncertain significance for Polyps, multiple and recurrent inflammatory fibroid, gastrointestinal; Idiopathic hypereosinophilic syndrome. Last evaluated: 2024-02-18. Review status: criteria provided, single submitter. Criteria: ACMG Guidelines, 2015. Collection method: clinical testing. Allele origin: germline.